The following is an entry in ClinVar:

ClinVar aggregate classification (germline): Conflicting classifications of pathogenicity. Review status: criteria provided, conflicting classifications (1 of 4 stars). 4 submissions from 4 submitters: Likely pathogenic (1); Uncertain significance (2). 1 of the submissions does not count toward it. Last evaluated 2025-03-02.

Conditions:
PMM2-congenital disorder of glycosylation. Also called: Congenital disorder of glycosylation, type Ia; PHOSPHOMANNOMUTASE 2 DEFICIENCY; CARBOHYDRATE-DEFICIENT GLYCOPROTEIN SYNDROME, TYPE Ia; CDG Ia; JAEKEN SYNDROME; PMM2-CDG. Identifiers: Orphanet 79318, MedGen C0349653, MONDO:0008907, OMIM 212065.

Allele frequency attached by ClinVar (database versions not stated): gnomAD exomes below 0.00001 and 0.00001; TOPMed 0.00001.
gnomAD v4.1: 3 of 1,578,160 alleles (0.00019%); highest among the groups gnomAD compares: African/African-American, 0.0027%; no homozygotes.

Submissions (4):

GeneDx
Classification: Likely pathogenic. Last evaluated: 2025-03-02. Review status: criteria provided, single submitter. Criteria: GeneDx Variant Classification Process June 2021. Collection method: clinical testing. Allele origin: germline. Affected: yes.
Comment: Not observed at significant frequency in large population cohorts (gnomAD); In silico analysis supports that this missense variant has a deleterious effect on protein structure/function; Has not been previously published as pathogenic or benign to our knowledge

Labcorp Genetics (formerly Invitae), Labcorp
Classification: Uncertain significance for PMM2-congenital disorder of glycosylation. Last evaluated: 2024-10-17. Review status: criteria provided, single submitter. Criteria: Invitae Variant Classification Sherloc (09022015). Collection method: clinical testing. Allele origin: germline.
Comment: This sequence change replaces arginine, which is basic and polar, with lysine, which is basic and polar, at codon 134 of the PMM2 protein (p.Arg134Lys). The frequency data for this variant in the population databases is considered unreliable, as metrics indicate poor data quality at this position in the gnomAD database. This variant has not been reported in the literature in individuals affected with PMM2-related conditions. ClinVar contains an entry for this variant (Variation ID: 1000159). Invitae Evidence Modeling of protein sequence and biophysical properties (such as structural, functional, and spatial information, amino acid conservation, physicochemical variation, residue mobility, and thermodynamic stability) indicates that this missense variant is expected to disrupt PMM2 protein function with a positive predictive value of 95%. In summary, the available evidence is currently insufficient to determine the role of this variant in disease. Therefore, it has been classified as a Variant of Uncertain Significance.

Fulgent Genetics
Classification: Uncertain significance for PMM2-congenital disorder of glycosylation. Last evaluated: 2021-12-15. Review status: criteria provided, single submitter. Criteria: ACMG Guidelines, 2015. Collection method: clinical testing. Allele origin: unknown.

Natera, Inc.
Classification: Uncertain significance for Congenital disorder of glycosylation type 1a. Last evaluated: 2020-12-26. Review status: no assertion criteria provided. Collection method: clinical testing. Allele origin: germline. Not counted in ClinVar's aggregate classification.

NM_000303.3(PMM2):c.401G>A (p.Arg134Lys)

Gene: PMM2 (phosphomannomutase 2; plus strand). Cytogenetic location: 16p13.2.
Variant type: single nucleotide variant.
Coding change: c.401G>A on transcript NM_000303.3 (MANE Select); coding-DNA position 401, G replaced by A.
Protein change: p.Arg134Lys; replaces arginine 134 with lysine.
Molecular consequence: missense variant.
Genome position (GRCh38, 1-based): chr16:8,811,132, G>A. VCF-style: chr16-8811132-G-A. GRCh37 (hg19) VCF-style: chr16-8904989-G-A.
Other names: c.401G>A (NM_000303.2); short protein forms R134K.
Identifiers: ClinVar variation 1000159 (VCV001000159.14), dbSNP rs1159211374, ClinGen allele CA394696600.